The following is an entry in ClinVar:

NM_005263.5(GFI1):c.636G>T (p.Glu212Asp)

Gene: GFI1 (growth factor independent 1 transcriptional repressor; minus strand). Cytogenetic location: 1p22.1.
Variant type: single nucleotide variant.
Coding change: c.636G>T on transcript NM_005263.5 (MANE Select); coding-DNA position 636, G replaced by T.
Protein change: p.Glu212Asp; replaces glutamic acid 212 with aspartic acid.
Molecular consequence: missense variant.
Genome position (GRCh38, 1-based): chr1:92,480,751, C>A on the plus strand (G>T on the coding strand, the complement: GFI1 is on the minus strand). VCF-style: chr1-92480751-C-A. GRCh37 (hg19) VCF-style: chr1-92946308-C-A.
Other names: c.636G>T, p.Glu212Asp (NM_001127215.3, NM_001127216.3); short protein forms E212D.
Identifiers: ClinVar variation 2749535 (VCV002749535.4), dbSNP rs997168436, ClinGen allele CA27090345.

ClinVar aggregate classification (germline): Uncertain significance. Review status: criteria provided, multiple submitters, no conflicts (2 of 4 stars). 2 submissions from 2 submitters: Uncertain significance (2). Last evaluated 2025-02-15.

Conditions:
Neutropenia, severe congenital, 2, autosomal dominant. Identifiers: Orphanet 486, MedGen C2751288, MONDO:0013139, OMIM 613107.

Allele frequency attached by ClinVar (database versions not stated): gnomAD 0.00001.
gnomAD v4.1: 5 of 1,600,706 alleles (0.00031%); highest among the groups gnomAD compares: Non-Finnish European, 0.00042%; no homozygotes.

Submissions (2):

Ambry Genetics
Classification: Uncertain significance. Last evaluated: 2025-02-15. Review status: criteria provided, single submitter. Criteria: Ambry Variant Classification Scheme 2023. Collection method: clinical testing. Allele origin: germline.
Comment: The p.E212D variant (also known as c.636G>T), located in coding exon 3 of the GFI1 gene, results from a G to T substitution at nucleotide position 636. The glutamic acid at codon 212 is replaced by aspartic acid, an amino acid with highly similar properties. This amino acid position is conserved. In addition, this alteration is predicted to be tolerated by in silico analysis. Based on the available evidence, the clinical significance of this variant remains unclear.

Labcorp Genetics (formerly Invitae), Labcorp
Classification: Uncertain significance for Neutropenia, severe congenital, 2, autosomal dominant. Last evaluated: 2023-10-06. Review status: criteria provided, single submitter. Criteria: Invitae Variant Classification Sherloc (09022015). Collection method: clinical testing. Allele origin: germline.
Comment: This sequence change replaces glutamic acid, which is acidic and polar, with aspartic acid, which is acidic and polar, at codon 212 of the GFI1 protein (p.Glu212Asp). This variant is not present in population databases (gnomAD no frequency). This variant has not been reported in the literature in individuals affected with GFI1-related conditions. Advanced modeling of protein sequence and biophysical properties (such as structural, functional, and spatial information, amino acid conservation, physicochemical variation, residue mobility, and thermodynamic stability) performed at Invitae indicates that this missense variant is not expected to disrupt GFI1 protein function. In summary, the available evidence is currently insufficient to determine the role of this variant in disease. Therefore, it has been classified as a Variant of Uncertain Significance.